The following is an entry in ClinVar:

ClinVar aggregate classification (germline): Pathogenic/Likely pathogenic. Review status: criteria provided, multiple submitters, no conflicts (2 of 4 stars). 6 submissions from 6 submitters: Pathogenic (4); Likely pathogenic (1). 1 of the submissions does not count toward it. Last evaluated 2025-03-27.

Conditions:
PKHD1-related disorder. Also called: PKHD1-related condition.
Autosomal recessive polycystic kidney disease (ARPKD). Also called: AR polycystic kidney disease. Identifiers: Orphanet 731, Orphanet 8378, MedGen C0085548, MeSH D017044, MONDO:0009889.
Polycystic kidney disease 4 (PKD4). Also called: PKD3; POLYCYSTIC KIDNEY AND HEPATIC DISEASE 1; POLYCYSTIC KIDNEY DISEASE, INFANTILE, TYPE I; POLYCYSTIC KIDNEY DISEASE 4 WITH OR WITHOUT POLYCYSTIC LIVER DISEASE; Autosomal Recessive Polycystic Kidney Disease – PKHD1. Identifiers: MedGen C4540575, MONDO:0033004, OMIM 263200.

Allele frequency attached by ClinVar (database versions not stated): gnomAD exomes 0.00001; TOPMed 0.00001; ExAC 0.00001; gnomAD 0.00001.

Submissions (6):

Myriad Genetics, Inc.
Classification: Pathogenic for Polycystic kidney disease 4. Last evaluated: 2025-03-27. Review status: criteria provided, single submitter. Criteria: Myriad Autosomal Dominant, Autosomal Recessive and X-Linked Classification Criteria (2023). Collection method: clinical testing. Allele origin: unknown.
Comment: NM_138694.3(PKHD1):c.11630delT(L3877Rfs*54) is a frameshift classified as pathogenic in the context of autosomal recessive polycystic kidney disease, PKHD1-related. L3877Rfs*54 has been observed in cases with relevant disease (PMID: 31303547). Relevant functional assessments of this variant are not available in the literature. L3877Rfs*54 has been observed in referenced population frequency databases. In summary, NM_138694.3(PKHD1):c.11630delT(L3877Rfs*54) is a frameshift that has been observed more frequently in cases with the relevant disease than in healthy populations. Please note: this variant was assessed in the context of healthy population screening.

Natera, Inc.
Classification: Pathogenic for Autosomal recessive polycystic kidney disease. Last evaluated: 2024-12-10. Review status: criteria provided, single submitter. Criteria: Natera Variant Classification Schema (03/2026). Collection method: clinical testing. Allele origin: germline.
Comment: The c.11630delT variant in PKHD1 is a frameshift variant predicted to shift the reading frame beginning at codon 3877 and leads to a stop codon 54 codons downstream. This variant is expected to result in nonsense mediated decay, truncation, or a dysfunctional protein product. This variant is rare in the general population with a frequency below the threshold expected for the associated phenotype(s). This variant has been observed in one or more individuals affected with the associated recessive disease, as either homozygous or compound heterozygous with a second variant (PMID: 31303547). Functional studies show that this variant may disrupt protein function (PMID: 31303547). Given the available evidence, this variant is classified as Pathogenic.

Fulgent Genetics
Classification: Likely pathogenic for Polycystic kidney disease 4. Last evaluated: 2024-01-10. Review status: criteria provided, single submitter. Criteria: ACMG Guidelines, 2015. Collection method: clinical testing. Allele origin: germline.

Baylor Genetics
Classification: Pathogenic for Polycystic kidney disease 4. Last evaluated: 2023-10-28. Review status: criteria provided, single submitter. Criteria: ACMG Guidelines, 2015. Collection method: clinical testing. Allele origin: unknown.

Labcorp Genetics (formerly Invitae), Labcorp
Classification: Pathogenic for Autosomal recessive polycystic kidney disease. Last evaluated: 2023-05-01. Review status: criteria provided, single submitter. Criteria: Invitae Variant Classification Sherloc (09022015). Collection method: clinical testing. Allele origin: germline.
Comment: This variant has not been reported in the literature in individuals affected with PKHD1-related conditions. This variant is present in population databases (rs747170980, gnomAD 0.002%). This sequence change creates a premature translational stop signal (p.Leu3877Argfs*54) in the PKHD1 gene. While this is not anticipated to result in nonsense mediated decay, it is expected to disrupt the last 198 amino acid(s) of the PKHD1 protein. This variant disrupts a region of the PKHD1 protein in which other variant(s) (p.Arg3961*) have been determined to be pathogenic (Invitae). This suggests that this is a clinically significant region of the protein, and that variants that disrupt it are likely to be disease-causing. For these reasons, this variant has been classified as Pathogenic. ClinVar contains an entry for this variant (Variation ID: 860404).

PreventionGenetics, part of Exact Sciences
Classification: Pathogenic for PKHD1-related condition. Last evaluated: 2024-07-19. Review status: no assertion criteria provided. Collection method: clinical testing. Allele origin: germline. Not counted in ClinVar's aggregate classification.
Comment: The PKHD1 c.11630delT variant is predicted to result in a frameshift and premature protein termination (p.Leu3877Argfs*54). To our knowledge, this variant has not been reported in the literature. This variant is reported in 0.0018% of alleles in individuals of European (Non-Finnish) descent in gnomAD. Frameshift variants in PKHD1 are expected to be pathogenic. This variant is interpreted as pathogenic.

Literature cited by the submitters: PubMed 31303547 (cited by Myriad Genetics, Inc. and Natera, Inc.).

NM_138694.4(PKHD1):c.11630del (p.Leu3877fs)

Gene: PKHD1 (PKHD1 ciliary IPT domain containing fibrocystin/polyductin; minus strand). Cytogenetic location: 6p12.3.
Variant type: Deletion.
Coding change: c.11630del on transcript NM_138694.4 (MANE Select); coding-DNA position 11630, one base deleted (T; older notation c.11630delT).
Protein change: p.Leu3877fs; shifts the reading frame from leucine 3877.
Molecular consequence: frameshift variant.
Genome position (GRCh38, 1-based): chr6:51,632,600, A deleted on the plus strand (T on the coding strand, the reverse complement: PKHD1 is on the minus strand). VCF-style (leftmost placement, unchanged base first): chr6-51632599-CA-C. GRCh37 (hg19) VCF-style: chr6-51497397-CA-C.
Other names: c.11630delT (NM_138694.3); short protein forms L3877fs.
Identifiers: ClinVar variation 860404 (VCV000860404.16), dbSNP rs747170980, ClinGen allele CA3850776.
Genomic context (GRCh38, chr6:51,632,599, plus strand): 5'-TCCAAAATAAAAAAAAAACTACATACTTCTGCTTTTGCTTCTTTTAAGCCAACAGCACAC[CA>C]GACAGCTCAGAGCCAGCCATGAGGCCACAGAGGACAGGGAAGCAGCCAGGATGATGGTCG-3'